The following is an entry in ClinVar:

NM_176869.3(PPA2):c.16C>G (p.Arg6Gly)

Gene: PPA2 (inorganic pyrophosphatase 2; minus strand). Cytogenetic location: 4q24.
Variant type: single nucleotide variant.
Coding change: c.16C>G on transcript NM_176869.3 (MANE Select); coding-DNA position 16, C replaced by G.
Protein change: p.Arg6Gly; replaces arginine 6 with glycine.
Molecular consequence: missense variant.
Genome position (GRCh38, 1-based): chr4:105,474,035, G>C on the plus strand (C>G on the coding strand, the complement: PPA2 is on the minus strand). VCF-style: chr4-105474035-G-C. GRCh37 (hg19) VCF-style: chr4-106395192-G-C.
Other names: c.16C>G, p.Arg6Gly (NM_006903.4, NM_176866.2, NM_176867.3); short protein forms R6G.
Identifiers: ClinVar variation 1523035 (VCV001523035.7), dbSNP rs769620452, ClinGen allele CA3032881.

ClinVar aggregate classification (germline): Uncertain significance (1 of 4 stars; one submission).

Allele frequency attached by ClinVar (database versions not stated): TOPMed below 0.00001; gnomAD exomes 0.00001; ExAC 0.00002.
gnomAD v4.1: 25 of 1,591,224 alleles (0.0016%); highest among the groups gnomAD compares: Non-Finnish European, 0.0021%; no homozygotes.

Submission:

Labcorp Genetics (formerly Invitae), Labcorp
Classification: Uncertain significance. Last evaluated: 2021-02-27. Review status: criteria provided, single submitter. Criteria: Invitae Variant Classification Sherloc (09022015). Collection method: clinical testing. Allele origin: germline.
Comment: In summary, the available evidence is currently insufficient to determine the role of this variant in disease. Therefore, it has been classified as a Variant of Uncertain Significance. Algorithms developed to predict the effect of missense changes on protein structure and function (SIFT, PolyPhen-2, Align-GVGD) all suggest that this variant is likely to be tolerated, but these predictions have not been confirmed by published functional studies and their clinical significance is uncertain. This variant has not been reported in the literature in individuals with PPA2-related conditions. This variant is present in population databases (rs769620452, ExAC 0.004%). This sequence change replaces arginine with glycine at codon 6 of the PPA2 protein (p.Arg6Gly). The arginine residue is weakly conserved and there is a moderate physicochemical difference between arginine and glycine.